The following is an entry in ClinVar:

ClinVar aggregate classification (germline): Benign. Review status: criteria provided, multiple submitters, no conflicts (2 of 4 stars). 2 submissions from 2 submitters: Benign (2). Last evaluated 2018-06-14.

Allele frequency attached by ClinVar (database versions not stated): gnomAD 0.99996 and 0.99997; TOPMed 0.99999.

Submissions (2):

GeneDx
Classification: Benign. Last evaluated: 2018-06-14. Review status: criteria provided, single submitter. Criteria: GeneDx Variant Classification (06012015). Collection method: clinical testing. Allele origin: germline. Affected: yes.
Comment: This variant is considered likely benign or benign based on one or more of the following criteria: it is a conservative change, it occurs at a poorly conserved position in the protein, it is predicted to be benign by multiple in silico algorithms, and/or has population frequency not consistent with disease.

Breakthrough Genomics
Classification: Benign. Review status: criteria provided, single submitter. Criteria: ACMG Guidelines, 2015. Collection method: not provided. Allele origin: germline. Inheritance: Autosomal recessive inheritance. Affected: yes.

NM_006096.4(NDRG1):c.856-157=

Gene: NDRG1 (N-myc downstream regulated 1; minus strand). Cytogenetic location: 8q24.22.
Variant type: single nucleotide variant.
Coding change: c.856-157= on transcript NM_006096.4 (MANE Select); 157 bases into the intron before coding-DNA position 856, no change from the reference sequence.
Molecular consequence: intron variant.
Genome position: GRCh38 VCF-style: chr8-133244547-C-C. GRCh37 (hg19) VCF-style: chr8-134256790-A-C.
Other names: c.658-157= (NM_001258432.2, NM_001374847.1); c.613-157= (NM_001258433.2); c.907-157= (NM_001374844.1); c.856-157= (NM_001135242.2, NM_001374845.1, NM_001374846.1).
Identifiers: ClinVar variation 667645 (VCV000667645.2), dbSNP rs2929980.